The following is an entry in ClinVar:

NM_001080517.3(SETD5):c.265G>T (p.Val89Leu)

Gene: SETD5 (SET domain containing 5; plus strand). Cytogenetic location: 3p25.3.
Variant type: single nucleotide variant.
Coding change: c.265G>T on transcript NM_001080517.3 (MANE Select); coding-DNA position 265, G replaced by T.
Protein change: p.Val89Leu; replaces valine 89 with leucine.
Molecular consequence: missense variant. On other transcripts: 5 prime UTR variant (2).
Genome position (GRCh38, 1-based): chr3:9,434,421, G>T. VCF-style: chr3-9434421-G-T. GRCh37 (hg19) VCF-style: chr3-9476105-G-T.
Other names: c.-69G>T (NM_001292043.2); c.-110G>T (NM_001349451.2); short protein forms V89L.
Identifiers: ClinVar variation 3625282 (VCV003625282.1).

ClinVar aggregate classification (germline): Uncertain significance (1 of 4 stars; one submission).

gnomAD v4.1: 19 of 1,613,854 alleles (0.0012%); highest among the groups gnomAD compares: Admixed American, 0.023%; no homozygotes.

Submission:

Labcorp Genetics (formerly Invitae), Labcorp
Classification: Uncertain significance. Last evaluated: 2024-08-17. Review status: criteria provided, single submitter. Criteria: Invitae Variant Classification Sherloc (09022015). Collection method: clinical testing. Allele origin: germline.
Comment: This sequence change replaces valine, which is neutral and non-polar, with leucine, which is neutral and non-polar, at codon 89 of the SETD5 protein (p.Val89Leu). This variant is present in population databases (no rsID available, gnomAD 0.003%). This variant has not been reported in the literature in individuals affected with SETD5-related conditions. Invitae Evidence Modeling of protein sequence and biophysical properties (such as structural, functional, and spatial information, amino acid conservation, physicochemical variation, residue mobility, and thermodynamic stability) indicates that this missense variant is not expected to disrupt SETD5 protein function with a negative predictive value of 80%. In summary, the available evidence is currently insufficient to determine the role of this variant in disease. Therefore, it has been classified as a Variant of Uncertain Significance.